The following is an entry in ClinVar:

ClinVar aggregate classification (germline): Uncertain significance. Review status: criteria provided, multiple submitters, no conflicts (2 of 4 stars). 2 submissions from 2 submitters: Uncertain significance (2). Last evaluated 2025-04-12.

Conditions:
Hereditary cancer-predisposing syndrome. Also called: Neoplastic Syndromes, Hereditary; Tumor predisposition; Hereditary Cancer Syndrome; Hereditary neoplastic syndrome. Identifiers: Orphanet 140162, MedGen C0027672, MeSH D009386, MONDO:0015356.

Submissions (2):

Ambry Genetics
Classification: Uncertain significance for Hereditary cancer-predisposing syndrome. Last evaluated: 2025-04-12. Review status: criteria provided, single submitter. Criteria: Ambry Variant Classification Scheme 2023. Collection method: clinical testing. Allele origin: germline.
Comment: The p.L33V variant (also known as c.97C>G), located in coding exon 2 of the PMS2 gene, results from a C to G substitution at nucleotide position 97. The leucine at codon 33 is replaced by valine, an amino acid with highly similar properties. This amino acid position is conserved. In addition, the in silico prediction for this alteration is inconclusive. Based on the available evidence, the clinical significance of this variant remains unclear.

Color Diagnostics, LLC DBA Color Health
Classification: Uncertain significance for Hereditary cancer-predisposing syndrome. Last evaluated: 2023-12-05. Review status: criteria provided, single submitter. Criteria: ACMG Guidelines, 2015. Collection method: clinical testing. Allele origin: germline.
Comment: This missense variant replaces leucine with valine at codon 33 of the PMS2 protein. Computational prediction suggests that this variant may not impact protein structure and function (internally defined REVEL score threshold <= 0.5, PMID: 27666373). To our knowledge, functional studies have not been reported for this variant. This variant has not been reported in individuals affected with PMS2-related disorders in the literature. This variant has not been identified in the general population by the Genome Aggregation Database (gnomAD). The available evidence is insufficient to determine the role of this variant in disease conclusively. Therefore, this variant is classified as a Variant of Uncertain Significance.

NM_000535.7(PMS2):c.97C>G (p.Leu33Val)

Gene: PMS2 (PMS1 homolog 2, mismatch repair system component; minus strand). Cytogenetic location: 7p22.1.
Variant type: single nucleotide variant.
Coding change: c.97C>G on transcript NM_000535.7 (MANE Select); coding-DNA position 97, C replaced by G.
Protein change: p.Leu33Val; replaces leucine 33 with valine.
Molecular consequence: missense variant. On other transcripts: 5 prime UTR variant (8), intron variant (3), non-coding transcript variant (1).
Genome position (GRCh38, 1-based): chr7:6,005,958, G>C on the plus strand (C>G on the coding strand, the complement: PMS2 is on the minus strand). VCF-style: chr7-6005958-G-C. GRCh37 (hg19) VCF-style: chr7-6045589-G-C.
Other names: c.-788C>G (NM_001322012.2, NM_001322011.2); c.-309C>G (NM_001322013.2, NM_001322003.2, NM_001322005.2 and 1 more transcripts); c.97C>G, p.Leu33Val (NM_001322014.2, NM_001322006.2); c.-242-1900C>G (NM_001322004.2, NM_001322010.2); c.-52-1900C>G (NM_001322008.2); c.-388C>G (NM_001322015.2); c.-119C>G (NM_001322007.2); c.97C>G (NM_000535.5); short protein forms L33V.
Identifiers: ClinVar variation 923864 (VCV000923864.5), dbSNP rs878854061, ClinGen allele CA366745068.